The following is an entry in ClinVar:

NM_014915.3(ANKRD26):c.4307C>A (p.Ser1436Tyr)

Gene: ANKRD26 (ankyrin repeat domain containing 26; minus strand). Cytogenetic location: 10p12.1.
Variant type: single nucleotide variant.
Coding change: c.4307C>A on transcript NM_014915.3 (MANE Select); coding-DNA position 4307, C replaced by A.
Protein change: p.Ser1436Tyr; replaces serine 1436 with tyrosine.
Molecular consequence: missense variant.
Genome position (GRCh38, 1-based): chr10:27,017,701, G>T on the plus strand (C>A on the coding strand, the complement: ANKRD26 is on the minus strand). VCF-style: chr10-27017701-G-T. GRCh37 (hg19) VCF-style: chr10-27306630-G-T.
Other names: c.4304C>A, p.Ser1435Tyr (NM_001256053.2); short protein forms S1436Y, S1435Y.
Identifiers: ClinVar variation 4103905 (VCV004103905.1).

ClinVar aggregate classification (germline): Uncertain significance (1 of 4 stars; one submission).

Conditions:
Inborn genetic diseases. Identifiers: MedGen C0950123, MeSH D030342.

Submission:

Ambry Genetics
Classification: Uncertain significance for Inborn genetic diseases. Last evaluated: 2025-07-31. Review status: criteria provided, single submitter. Criteria: Ambry Variant Classification Scheme 2023. Collection method: clinical testing. Allele origin: germline.
Comment: The p.S1436Y variant (also known as c.4307C>A), located in coding exon 30 of the ANKRD26 gene, results from a C to A substitution at nucleotide position 4307. The serine at codon 1436 is replaced by tyrosine, an amino acid with dissimilar properties. This amino acid position is conserved. In addition, this alteration is predicted to be tolerated by in silico analysis. Based on the available evidence, the clinical significance of this variant remains unclear.